The following is an entry in ClinVar:

NC_000010.10:g.(?_30727868)_(30749765_?)dup

Gene: MAP3K8 (mitogen-activated protein kinase kinase kinase 8; plus strand). Cytogenetic location: 10p11.23.
Variant type: Duplication.
Identifiers: ClinVar variation 2425318 (VCV002425318.3).

ClinVar aggregate classification (germline): Uncertain significance (1 of 4 stars; one submission).

Submission:

Labcorp Genetics (formerly Invitae), Labcorp
Classification: Uncertain significance. Last evaluated: 2022-05-02. Review status: criteria provided, single submitter. Criteria: Invitae Variant Classification Sherloc (09022015). Collection method: clinical testing. Allele origin: germline.
Comment: In summary, the available evidence is currently insufficient to determine the role of this variant in disease. Therefore, it has been classified as a Variant of Uncertain Significance. This variant has not been reported in the literature in individuals affected with MAP3K8-related conditions. A copy number gain of the genomic region encompassing the full coding sequence of the MAP3K8 gene has been identified. The boundaries of this event are unknown as they extend beyond the assayed region for this gene and therefore may encompass additional genes. As the precise location of this event is unknown, it may be in tandem or it may be located elsewhere in the genome.